The following is an entry in ClinVar:

NM_017563.5(IL17RD):c.1978C>T (p.Arg660Trp)

Genes: IL17RD (interleukin 17 receptor D; minus strand), LOC126806689 (BRD4-independent group 4 enhancer GRCh37_chr3:57131244-57132443; plus strand). Cytogenetic location: 3p14.3.
Variant type: single nucleotide variant.
Coding change: c.1978C>T on transcript NM_017563.5 (MANE Select); coding-DNA position 1978, C replaced by T.
Protein change: p.Arg660Trp; replaces arginine 660 with tryptophan.
Molecular consequence: missense variant.
Genome position (GRCh38, 1-based): chr3:57,097,725, G>A on the plus strand (C>T on the coding strand, the complement: IL17RD is on the minus strand). VCF-style: chr3-57097725-G-A. GRCh37 (hg19) VCF-style: chr3-57131753-G-A.
Other names: c.1978C>T, p.Arg660Trp (NM_001080973.1); c.1546C>T, p.Arg516Trp (NM_001318864.2); short protein forms R660W, R516W.
Identifiers: ClinVar variation 1959580 (VCV001959580.5), dbSNP rs756741660, ClinGen allele CA2462609.

ClinVar aggregate classification (germline): Uncertain significance (1 of 4 stars; one submission).

Allele frequency attached by ClinVar (database versions not stated): ExAC 0.00001; gnomAD exomes 0.00001.
gnomAD v4.1: 11 of 1,602,634 alleles (0.00069%); highest among the groups gnomAD compares: Admixed American, 0.0068%; no homozygotes.

Submission:

Labcorp Genetics (formerly Invitae), Labcorp
Classification: Uncertain significance. Last evaluated: 2022-06-25. Review status: criteria provided, single submitter. Criteria: Invitae Variant Classification Sherloc (09022015). Collection method: clinical testing. Allele origin: germline.
Comment: In summary, the available evidence is currently insufficient to determine the role of this variant in disease. Therefore, it has been classified as a Variant of Uncertain Significance. Algorithms developed to predict the effect of missense changes on protein structure and function are either unavailable or do not agree on the potential impact of this missense change (SIFT: "Not Available"; PolyPhen-2: "Probably Damaging"; Align-GVGD: "Not Available"). This variant has not been reported in the literature in individuals affected with IL17RD-related conditions. This variant is present in population databases (rs756741660, gnomAD 0.01%). This sequence change replaces arginine, which is basic and polar, with tryptophan, which is neutral and slightly polar, at codon 660 of the IL17RD protein (p.Arg660Trp).